The following is an entry in ClinVar:

ClinVar aggregate classification (germline): Uncertain significance (1 of 4 stars; one submission).

Allele frequency attached by ClinVar (database versions not stated): TOPMed below 0.00001; ExAC 0.00001.
gnomAD v4.1: 22 of 1,614,022 alleles (0.0014%); highest among the groups gnomAD compares: Admixed American, 0.0033%; no homozygotes.

Submission:

Labcorp Genetics (formerly Invitae), Labcorp
Classification: Uncertain significance. Last evaluated: 2023-04-20. Review status: criteria provided, single submitter. Criteria: Invitae Variant Classification Sherloc (09022015). Collection method: clinical testing. Allele origin: germline.
Comment: In summary, the available evidence is currently insufficient to determine the role of this variant in disease. Therefore, it has been classified as a Variant of Uncertain Significance. Advanced modeling of protein sequence and biophysical properties (such as structural, functional, and spatial information, amino acid conservation, physicochemical variation, residue mobility, and thermodynamic stability) performed at Invitae indicates that this missense variant is not expected to disrupt SRCAP protein function. This variant has not been reported in the literature in individuals affected with SRCAP-related conditions. This variant is present in population databases (rs748074399, gnomAD 0.006%). This sequence change replaces proline, which is neutral and non-polar, with leucine, which is neutral and non-polar, at codon 1610 of the SRCAP protein (p.Pro1610Leu).

NM_006662.3(SRCAP):c.4829C>T (p.Pro1610Leu)

Gene: SRCAP (Snf2 related CREBBP activator protein; plus strand). Cytogenetic location: 16p11.2.
Variant type: single nucleotide variant.
Coding change: c.4829C>T on transcript NM_006662.3 (MANE Select); coding-DNA position 4829, C replaced by T.
Protein change: p.Pro1610Leu; replaces proline 1610 with leucine.
Molecular consequence: missense variant.
Genome position (GRCh38, 1-based): chr16:30,724,253, C>T. VCF-style: chr16-30724253-C-T. GRCh37 (hg19) VCF-style: chr16-30735574-C-T.
Other names: short protein forms P1610L.
Identifiers: ClinVar variation 2716749 (VCV002716749.3), dbSNP rs748074399, ClinGen allele CA8011836.